The following is an entry in ClinVar:

ClinVar aggregate classification (germline): Likely pathogenic. Review status: criteria provided, multiple submitters, no conflicts (2 of 4 stars). 2 submissions from 2 submitters: Likely pathogenic (2). Last evaluated 2025-01-09.

Conditions:
Autosomal recessive nonsyndromic hearing loss 9. Also called: Deafness, autosomal recessive 9; NEUROSENSORY NONSYNDROMIC RECESSIVE DEAFNESS 9; OTOF-Related Hearing Loss; AUDITORY NEUROPATHY, AUTOSOMAL RECESSIVE, 1, TEMPERATURE-SENSITIVE. Identifiers: Orphanet 90636, MedGen C1832828, MONDO:0010986, OMIM 601071.

gnomAD v4.1: 1 of 1,613,018 alleles (0.000062%); highest among the groups gnomAD compares: East Asian, 0.0022%; no homozygotes.

Submissions (2):

Institute of Rare Diseases, West China Hospital, Sichuan University
Classification: Likely pathogenic for Autosomal recessive nonsyndromic hearing loss 9. Last evaluated: 2025-01-09. Review status: criteria provided, single submitter. Criteria: ClinGen HL ACMG Specifications v1. Collection method: research. Allele origin: germline. Affected: yes.
Comment: PVS1;PM2_Supporting

Clinical Genetics Service, Universitary Hospital 12 de Octubre
Classification: Likely pathogenic for Autosomal recessive nonsyndromic hearing loss 9. Review status: criteria provided, single submitter. Criteria: ACMG Guidelines, 2015. Collection method: clinical testing. Allele origin: germline. Affected: yes.

NM_194248.3(OTOF):c.4362+1G>T

Gene: OTOF (otoferlin; minus strand). Cytogenetic location: 2p23.3.
Variant type: single nucleotide variant.
Coding change: c.4362+1G>T on transcript NM_194248.3 (MANE Select); the canonical splice donor site of the intron after coding-DNA position 4362, G replaced by T.
Molecular consequence: splice donor variant.
Genome position (GRCh38, 1-based): chr2:26,467,098, C>A on the plus strand (G>T on the coding strand, the complement: OTOF is on the minus strand). VCF-style: chr2-26467098-C-A. GRCh37 (hg19) VCF-style: chr2-26689966-C-A.
Other names: c.4362+1G>T (NM_001287489.2); c.2061+1G>T (NM_194323.3, NM_004802.4); c.2292+1G>T (NM_194322.3).
Identifiers: ClinVar variation 3601544 (VCV003601544.2).